The following is an entry in ClinVar:

ClinVar aggregate classification (germline): Conflicting classifications of pathogenicity. Review status: criteria provided, conflicting classifications (1 of 4 stars). 5 submissions from 5 submitters: Uncertain significance (2); Likely benign (2). 1 of the submissions does not count toward it. Last evaluated 2025-12-24.

Conditions:
Primary ciliary dyskinesia. Also called: Ciliary dyskinesia. Identifiers: Orphanet 244, MedGen C0008780, MONDO:0016575, HP:0012265.
DNAH5-related disorder. Also called: DNAH5-related condition.
Primary ciliary dyskinesia 3. Identifiers: Orphanet 244, MedGen C1837618, MONDO:0012085, OMIM 608644.

Allele frequency attached by ClinVar (database versions not stated): ExAC 0.00006; gnomAD exomes 0.00010 and 0.00032; TOPMed 0.00024; gnomAD 0.00029 and 0.00031; ESP Exome Variant Server 0.00031.
gnomAD v4.1: 527 of 1,610,294 alleles (0.033%); highest among the groups gnomAD compares: Non-Finnish European, 0.041%; no homozygotes.

Submissions (5):

Labcorp Genetics (formerly Invitae), Labcorp
Classification: Likely benign for Primary ciliary dyskinesia. Last evaluated: 2025-12-24. Review status: criteria provided, single submitter. Criteria: Invitae Variant Classification Sherloc (09022015). Collection method: clinical testing. Allele origin: germline.

CeGaT Center for Human Genetics Tuebingen
Classification: Uncertain significance. Last evaluated: 2023-09-01. Review status: criteria provided, single submitter. Criteria: CeGaT Center For Human Genetics Tuebingen Variant Classification Criteria Version 2. Collection method: clinical testing. Allele origin: germline. Affected: yes. Observed: 1 variant allele.
Comment: DNAH5: PM2, BP4

Illumina Laboratory Services, Illumina
Classification: Uncertain significance for Primary ciliary dyskinesia 3. Last evaluated: 2018-01-13. Review status: criteria provided, single submitter. Criteria: ICSL Variant Classification Criteria 13 December 2019. Collection method: clinical testing. Allele origin: germline.

Laboratory for Molecular Medicine, Mass General Brigham Personalized Medicine
Classification: Likely benign. Last evaluated: 2017-06-19. Review status: criteria provided, single submitter. Criteria: LMM Criteria. Collection method: clinical testing. Allele origin: germline. Observed: 1 variant allele.
Comment: c.11570+8T>C in intron 67 of DNAH5: This variant is not expected to have clinica l significance because it is not located within the conserved splice consensus s equence. It has been identified in 31/126300 European chromosomes by the Genome Aggregation Database (gnomAD; dbSNP rs3697895 59).

PreventionGenetics, part of Exact Sciences
Classification: Likely benign for DNAH5-related condition. Last evaluated: 2019-10-28. Review status: no assertion criteria provided. Collection method: clinical testing. Allele origin: germline. Not counted in ClinVar's aggregate classification.
Comment: This variant is classified as likely benign based on ACMG/AMP sequence variant interpretation guidelines (Richards et al. 2015 PMID: 25741868, with internal and published modifications).

NM_001369.3(DNAH5):c.11570+8T>C

Gene: DNAH5 (dynein axonemal heavy chain 5; minus strand). Cytogenetic location: 5p15.2.
Variant type: single nucleotide variant.
Coding change: c.11570+8T>C on transcript NM_001369.3 (MANE Select); 8 bases into the intron after coding-DNA position 11570, T replaced by C.
Molecular consequence: intron variant.
Genome position (GRCh38, 1-based): chr5:13,735,810, A>G on the plus strand (T>C on the coding strand, the complement: DNAH5 is on the minus strand). VCF-style: chr5-13735810-A-G. GRCh37 (hg19) VCF-style: chr5-13735919-A-G.
Identifiers: ClinVar variation 504724 (VCV000504724.44), dbSNP rs369789559, ClinGen allele CA3201925.
Genomic context (GRCh38, chr5:13,735,810, plus strand): 5'-TAAATGTAATGTCATCATTTTAGTGCACAGATATAGAATTCAGCTTGGCTTCCCGCGTAC[A>G]GACGTACCTGGCTAAGGAAAGGTCAAATAAGCCCAGAAACTGGCGAAGCGAAGTCTGATA-3'